The following is an entry in ClinVar:

NM_000337.6(SGCD):c.193-7A>G

Gene: SGCD (sarcoglycan delta; plus strand). Cytogenetic location: 5q33.3.
Variant type: single nucleotide variant.
Coding change: c.193-7A>G on transcript NM_000337.6 (MANE Select); 7 bases into the intron before coding-DNA position 193, A replaced by G.
Molecular consequence: intron variant.
Genome position (GRCh38, 1-based): chr5:156,508,594, A>G. VCF-style: chr5-156508594-A-G. GRCh37 (hg19) VCF-style: chr5-155935604-A-G.
Other names: c.190-7A>G (NM_001128209.2); c.193-7A>G (NM_172244.3).
Identifiers: ClinVar variation 285301 (VCV000285301.20), dbSNP rs747018859, ClinGen allele CA3530535.

ClinVar aggregate classification (germline): Conflicting classifications of pathogenicity. Review status: criteria provided, conflicting classifications (1 of 4 stars). 5 submissions from 5 submitters: Uncertain significance (1); Likely benign (4). Last evaluated 2026-01-28.

Conditions:
Autosomal recessive limb-girdle muscular dystrophy type 2F (LGMDR6). Also called: Muscular dystrophy limb-girdle with delta-sarcoglyan deficiency; MUSCULAR DYSTROPHY, LIMB-GIRDLE, AUTOSOMAL RECESSIVE 6. Identifiers: Orphanet 219, MedGen C1832525, MONDO:0011028, OMIM 601287. Disease mechanism: Affects gamma-sarcoglycan and also disrupts the integrity of the entire sarcoglycan complex..
SGCD-related disorder. Also called: SGCD-related condition.

Allele frequency attached by ClinVar (database versions not stated): gnomAD 0.00002; TOPMed 0.00002; gnomAD exomes 0.00004 and 0.00007; ExAC 0.00005.
gnomAD v4.1: 105 of 1,574,068 alleles (0.0067%); highest among the groups gnomAD compares: Non-Finnish European, 0.0085%; no homozygotes.

Submissions (5):

Labcorp Genetics (formerly Invitae), Labcorp
Classification: Likely benign for Autosomal recessive limb-girdle muscular dystrophy type 2F. Last evaluated: 2026-01-28. Review status: criteria provided, single submitter. Criteria: Invitae Variant Classification Sherloc (09022015). Collection method: clinical testing. Allele origin: germline.

PreventionGenetics, part of Exact Sciences
Classification: Likely benign for SGCD-related condition. Last evaluated: 2025-03-28. Review status: criteria provided, single submitter. Criteria: ACMG Guidelines, 2015. Collection method: clinical testing. Allele origin: germline.
Comment: This variant is classified as likely benign based on ACMG/AMP sequence variant interpretation guidelines (Richards et al. 2015 PMID: 25741868, with internal and published modifications).

Blueprint Genetics
Classification: Likely benign. Last evaluated: 2023-12-07. Review status: criteria provided, single submitter. Criteria: ACMG Guidelines, 2015. Collection method: clinical testing. Allele origin: germline.

GeneDx
Classification: Likely benign. Last evaluated: 2019-04-01. Review status: criteria provided, single submitter. Criteria: GeneDx Variant Classification Process June 2021. Collection method: clinical testing. Allele origin: germline. Affected: yes.

Eurofins Ntd Llc (ga)
Classification: Uncertain significance. Last evaluated: 2015-12-17. Review status: criteria provided, single submitter. Criteria: EGL Classification Definitions 2015. Collection method: clinical testing. Allele origin: germline. Observed: 1 variant allele, 1 heterozygote.